The following is an entry in ClinVar:

NM_001369.3(DNAH5):c.3277G>A (p.Ala1093Thr)

Genes: DNAH5 (dynein axonemal heavy chain 5; minus strand), DNAH5-AS1 (DNAH5 antisense RNA 1; plus strand). Cytogenetic location: 5p15.2.
Variant type: single nucleotide variant.
Coding change: c.3277G>A on transcript NM_001369.3 (MANE Select); coding-DNA position 3277, G replaced by A.
Protein change: p.Ala1093Thr; replaces alanine 1093 with threonine.
Molecular consequence: missense variant.
Genome position (GRCh38, 1-based): chr5:13,876,803, C>T on the plus strand (G>A on the coding strand, the complement: DNAH5 is on the minus strand). VCF-style: chr5-13876803-C-T. GRCh37 (hg19) VCF-style: chr5-13876912-C-T.
Other names: c.3277G>A (NM_001369.2); short protein forms A1093T.
Identifiers: ClinVar variation 2058728 (VCV002058728.5), dbSNP rs369902145, ClinGen allele CA3204325.

ClinVar aggregate classification (germline): Conflicting classifications of pathogenicity. Review status: criteria provided, conflicting classifications (1 of 4 stars). 2 submissions from 2 submitters: Uncertain significance (1); Likely benign (1). Last evaluated 2025-09-07.

Conditions:
Primary ciliary dyskinesia. Also called: Ciliary dyskinesia. Identifiers: Orphanet 244, MedGen C0008780, MONDO:0016575, HP:0012265.

Allele frequency attached by ClinVar (database versions not stated): TOPMed below 0.00001; ExAC 0.00001; gnomAD 0.00001; ESP Exome Variant Server 0.00008.
gnomAD v4.1: 5 of 1,613,498 alleles (0.00031%); highest among the groups gnomAD compares: African/African-American, 0.0013%; no homozygotes.

Submissions (2):

Labcorp Genetics (formerly Invitae), Labcorp
Classification: Likely benign for Primary ciliary dyskinesia. Last evaluated: 2025-09-07. Review status: criteria provided, single submitter. Criteria: Invitae Variant Classification Sherloc (09022015). Collection method: clinical testing. Allele origin: germline.

GeneDx
Classification: Uncertain significance. Last evaluated: 2023-11-16. Review status: criteria provided, single submitter. Criteria: GeneDx Variant Classification Process June 2021. Collection method: clinical testing. Allele origin: germline. Affected: yes.
Comment: Not observed at significant frequency in large population cohorts (gnomAD); In silico analysis supports that this missense variant does not alter protein structure/function; Has not been previously published as pathogenic or benign to our knowledge